The following is an entry in ClinVar:

NM_178822.5(IGSF10):c.5810G>A (p.Arg1937Gln)

Gene: IGSF10 (immunoglobulin superfamily member 10; minus strand). Cytogenetic location: 3q25.1.
Variant type: single nucleotide variant.
Coding change: c.5810G>A on transcript NM_178822.5 (MANE Select); coding-DNA position 5810, G replaced by A.
Protein change: p.Arg1937Gln; replaces arginine 1937 with glutamine.
Molecular consequence: missense variant.
Genome position (GRCh38, 1-based): chr3:151,443,137, C>T on the plus strand (G>A on the coding strand, the complement: IGSF10 is on the minus strand). VCF-style: chr3-151443137-C-T. GRCh37 (hg19) VCF-style: chr3-151160925-C-T.
Other names: c.5810G>A, p.Arg1937Gln (NM_001385060.1, NM_001385061.1, NM_001385062.1 and 1 more transcripts); short protein forms R1937Q.
Identifiers: ClinVar variation 3285620 (VCV003285620.3).
Genomic context (GRCh38, chr3:151,443,137, plus strand): 5'-TCCCCAAAATTCACTTCAGTCCTTTTCTGGGATGCAGCTTCTATCCTGGGGCTGGTCACT[C>T]GCTCTTCCATTGTAAGCATTACTACTCTTCGCTCCGAACCAGTGGAACTGGTAGCAATGC-3'
Protein context (NP_849144.2, residues 1927-1947): RRVVMLTMEE[Arg1937Gln]VTSPRIEAAS

ClinVar aggregate classification (germline): Conflicting classifications of pathogenicity. Review status: criteria provided, conflicting classifications (1 of 4 stars). 2 submissions from 2 submitters: Uncertain significance (1); Likely benign (1). Last evaluated 2025-01-05.

gnomAD v4.1: 12 of 1,614,114 alleles (0.00074%); highest among the groups gnomAD compares: African/African-American, 0.012%; no homozygotes.

Submissions (2):

Labcorp Genetics (formerly Invitae), Labcorp
Classification: Uncertain significance. Last evaluated: 2025-01-05. Review status: criteria provided, single submitter. Criteria: Invitae Variant Classification Sherloc (09022015). Collection method: clinical testing. Allele origin: germline.
Comment: This sequence change replaces arginine, which is basic and polar, with glutamine, which is neutral and polar, at codon 1937 of the IGSF10 protein (p.Arg1937Gln). This variant is present in population databases (no rsID available, gnomAD 0.007%). This variant has not been reported in the literature in individuals affected with IGSF10-related conditions. An algorithm developed to predict the effect of missense changes on protein structure and function outputs the following: PolyPhen-2: "Benign". The glutamine amino acid residue is found in multiple mammalian species, which suggests that this missense change does not adversely affect protein function. In summary, the available evidence is currently insufficient to determine the role of this variant in disease. Therefore, it has been classified as a Variant of Uncertain Significance.

Ambry Genetics
Classification: Likely benign. Last evaluated: 2024-03-18. Review status: criteria provided, single submitter. Criteria: Ambry Variant Classification Scheme 2023. Collection method: clinical testing. Allele origin: germline.